The following is an entry in ClinVar:

NM_004385.5(VCAN):c.7121C>A (p.Pro2374Gln)

Genes: VCAN (versican; plus strand), VCAN-AS1 (VCAN antisense RNA 1; minus strand). Cytogenetic location: 5q14.3.
Variant type: single nucleotide variant.
Coding change: c.7121C>A on transcript NM_004385.5 (MANE Select); coding-DNA position 7121, C replaced by A.
Protein change: p.Pro2374Gln; replaces proline 2374 with glutamine.
Molecular consequence: missense variant. On other transcripts: intron variant (2).
Genome position (GRCh38, 1-based): chr5:83,540,124, C>A. VCF-style: chr5-83540124-C-A. GRCh37 (hg19) VCF-style: chr5-82835943-C-A.
Other names: c.4160C>A, p.Pro1387Gln (NM_001164097.2); c.4004-5413C>A (NM_001164098.2); c.1043-5413C>A (NM_001126336.3); short protein forms P1387Q, P2374Q.
Identifiers: ClinVar variation 2824941 (VCV002824941.4), dbSNP rs61754535, ClinGen allele CA3333586.

ClinVar aggregate classification (germline): Uncertain significance. Review status: criteria provided, multiple submitters, no conflicts (2 of 4 stars). 2 submissions from 2 submitters: Uncertain significance (2). Last evaluated 2024-03-19.

Allele frequency attached by ClinVar (database versions not stated): gnomAD exomes below 0.00001; ExAC 0.00001; TOPMed 0.00001.
gnomAD v4.1: 2 of 1,613,930 alleles (0.00012%); highest among the groups gnomAD compares: Non-Finnish European, 0.00017%; no homozygotes.

Submissions (2):

Labcorp Genetics (formerly Invitae), Labcorp
Classification: Uncertain significance. Last evaluated: 2024-03-19. Review status: criteria provided, single submitter. Criteria: Invitae Variant Classification Sherloc (09022015). Collection method: clinical testing. Allele origin: germline.
Comment: This sequence change replaces proline, which is neutral and non-polar, with glutamine, which is neutral and polar, at codon 2374 of the VCAN protein (p.Pro2374Gln). This variant is present in population databases (rs61754535, gnomAD 0.002%). This variant has not been reported in the literature in individuals affected with VCAN-related conditions. Algorithms developed to predict the effect of missense changes on protein structure and function output the following: SIFT: "Not Available"; PolyPhen-2: "Benign"; Align-GVGD: "Not Available". The glutamine amino acid residue is found in multiple mammalian species, which suggests that this missense change does not adversely affect protein function. In summary, the available evidence is currently insufficient to determine the role of this variant in disease. Therefore, it has been classified as a Variant of Uncertain Significance.

Blueprint Genetics
Classification: Uncertain significance. Last evaluated: 2018-11-27. Review status: criteria provided, single submitter. Criteria: ACMG Guidelines, 2015. Collection method: clinical testing. Allele origin: germline.